The following is an entry in ClinVar:

NM_002609.4(PDGFRB):c.2360G>A (p.Cys787Tyr)

Gene: PDGFRB (platelet derived growth factor receptor beta; minus strand). Cytogenetic location: 5q32.
Variant type: single nucleotide variant.
Coding change: c.2360G>A on transcript NM_002609.4 (MANE Select); coding-DNA position 2360, G replaced by A.
Protein change: p.Cys787Tyr; replaces cysteine 787 with tyrosine.
Molecular consequence: missense variant.
Genome position (GRCh38, 1-based): chr5:150,121,307, C>T on the plus strand (G>A on the coding strand, the complement: PDGFRB is on the minus strand). VCF-style: chr5-150121307-C-T. GRCh37 (hg19) VCF-style: chr5-149500870-C-T.
Other names: c.2168G>A, p.Cys723Tyr (NM_001355016.2); c.1877G>A, p.Cys626Tyr (NM_001355017.2); short protein forms C626Y, C787Y, C723Y.
Identifiers: ClinVar variation 1480134 (VCV001480134.7), dbSNP rs2113890060, ClinGen allele CA361761370.

ClinVar aggregate classification (germline): Uncertain significance (1 of 4 stars; one submission).

Conditions:
Basal ganglia calcification, idiopathic, 4 (PFBC4). Also called: Familial Idiopathic Basal Ganglia Calcification 4; PRIMARY FAMILIAL BRAIN CALCIFICATION 4, AUTOSOMAL DOMINANT. Identifiers: Orphanet 1980, MedGen C3554321, MONDO:0014004, OMIM 615007.
Acroosteolysis-keloid-like lesions-premature aging syndrome. Also called: Premature aging syndrome, Penttinen type; Prematurely aged appearance, delayed bone maturation, acro-osteolysis, and brachydactyly; Progeroid syndrome, Penttinen type. Identifiers: Orphanet 363665, MedGen C1866182, MONDO:0011150, OMIM 601812.
Infantile myofibromatosis (IMF). Also called: Congenital generalized fibromatosis. Identifiers: Orphanet 2591, MedGen C0432284, MONDO:0016824.
Skeletal overgrowth-craniofacial dysmorphism-hyperelastic skin-white matter lesions syndrome. Also called: SKELETAL OVERGROWTH WITH FACIAL DYSMORPHISM, HYPERELASTIC SKIN, WHITE MATTER LESIONS, AND NEUROLOGIC DETERIORATION; Kosaki overgrowth syndrome. Identifiers: Orphanet 477831, MedGen C4225270, MONDO:0014704, OMIM 616592.

Allele frequency attached by ClinVar (database versions not stated): gnomAD exomes below 0.00001.
gnomAD v4.1: 1 of 1,529,214 alleles (0.000065%); highest among the groups gnomAD compares: Non-Finnish European, 0.000091%; no homozygotes.

Submission:

Labcorp Genetics (formerly Invitae), Labcorp
Classification: Uncertain significance for Basal ganglia calcification, idiopathic, 4; Skeletal overgrowth-craniofacial dysmorphism-hyperelastic skin-white matter lesions syndrome; Infantile myofibromatosis; Acroosteolysis-keloid-like lesions-premature aging syndrome. Last evaluated: 2023-05-01. Review status: criteria provided, single submitter. Criteria: Invitae Variant Classification Sherloc (09022015). Collection method: clinical testing. Allele origin: germline.
Comment: This variant has not been reported in the literature in individuals affected with PDGFRB-related conditions. In summary, the available evidence is currently insufficient to determine the role of this variant in disease. Therefore, it has been classified as a Variant of Uncertain Significance. Advanced modeling of protein sequence and biophysical properties (such as structural, functional, and spatial information, amino acid conservation, physicochemical variation, residue mobility, and thermodynamic stability) performed at Invitae indicates that this missense variant is not expected to disrupt PDGFRB protein function. ClinVar contains an entry for this variant (Variation ID: 1480134). This variant is not present in population databases (gnomAD no frequency). This sequence change replaces cysteine, which is neutral and slightly polar, with tyrosine, which is neutral and polar, at codon 787 of the PDGFRB protein (p.Cys787Tyr).